The following is an entry in ClinVar:

ClinVar aggregate classification (germline): Uncertain significance (1 of 4 stars; one submission).

Conditions:
Charcot-Marie-Tooth disease type 4. Also called: Charcot-Marie-Tooth, Type 4; Charcot-Marie-Tooth disease, type IV. Identifiers: Orphanet 64749, MedGen C4082197, MONDO:0018995.

Allele frequency attached by ClinVar (database versions not stated): gnomAD exomes below 0.00001.
gnomAD v4.1: 2 of 1,614,114 alleles (0.00012%); highest among the groups gnomAD compares: Non-Finnish European, 0.00017%; no homozygotes.

Submission:

Labcorp Genetics (formerly Invitae), Labcorp
Classification: Uncertain significance for Charcot-Marie-Tooth disease type 4. Last evaluated: 2023-04-09. Review status: criteria provided, single submitter. Criteria: Invitae Variant Classification Sherloc (09022015). Collection method: clinical testing. Allele origin: germline.
Comment: ClinVar contains an entry for this variant (Variation ID: 1040536). This sequence change replaces lysine, which is basic and polar, with threonine, which is neutral and polar, at codon 644 of the SBF2 protein (p.Lys644Thr). This variant is not present in population databases (gnomAD no frequency). This variant has not been reported in the literature in individuals affected with SBF2-related conditions. An algorithm developed to predict the effect of missense changes on protein structure and function (PolyPhen-2) suggests that this variant is likely to be disruptive. In summary, the available evidence is currently insufficient to determine the role of this variant in disease. Therefore, it has been classified as a Variant of Uncertain Significance.

NM_030962.4(SBF2):c.1931A>C (p.Lys644Thr)

Genes: SBF2 (SET binding factor 2; minus strand), LOC101928008 (uncharacterized LOC101928008; plus strand). Cytogenetic location: 11p15.4.
Variant type: single nucleotide variant.
Coding change: c.1931A>C on transcript NM_030962.4 (MANE Select); coding-DNA position 1931, A replaced by C.
Protein change: p.Lys644Thr; replaces lysine 644 with threonine.
Molecular consequence: missense variant.
Genome position (GRCh38, 1-based): chr11:9,858,395, T>G on the plus strand (A>C on the coding strand, the complement: SBF2 is on the minus strand). VCF-style: chr11-9858395-T-G. GRCh37 (hg19) VCF-style: chr11-9879942-T-G.
Other names: c.1931A>C, p.Lys644Thr (NM_001386339.1); c.1802A>C, p.Lys601Thr (NM_001386342.1); short protein forms K644T, K601T.
Identifiers: ClinVar variation 1040536 (VCV001040536.9), dbSNP rs1857475272, ClinGen allele CA379642616.
Genomic context (GRCh38, chr11:9,858,395, plus strand): 5'-GTCCAAATGGGGTGGTCTTGTACACACGTGTAAGCAAACTGGCTGACTCCAGGGGCAAGT[T>G]TCTGTGAGAACACACAAAATACATCATCATGGGGCTGGCAGAATTATAACAGTTCATAAG-3'
Protein context (NP_112224.1, residues 634-654): LLPLTSAFYR[Lys644Thr]LAPGVSQFAY